The following is an entry in ClinVar:

ClinVar aggregate classification (germline): Uncertain significance (1 of 4 stars; one submission).

gnomAD v4.1: 1 of 1,613,776 alleles (0.000062%); highest among the groups gnomAD compares: African/African-American, 0.0013%; no homozygotes.

Submission:

GeneDx
Classification: Uncertain significance. Last evaluated: 2024-07-10. Review status: criteria provided, single submitter. Criteria: GeneDx Variant Classification Process June 2021. Collection method: clinical testing. Allele origin: germline. Affected: yes.
Comment: Not observed at significant frequency in large population cohorts (gnomAD); In silico analysis supports that this missense variant has a deleterious effect on protein structure/function; Has not been previously published as pathogenic or benign to our knowledge

NM_000540.3(RYR1):c.6093G>T (p.Leu2031Phe)

Gene: RYR1 (ryanodine receptor 1; plus strand). Cytogenetic location: 19q13.2.
Variant type: single nucleotide variant.
Coding change: c.6093G>T on transcript NM_000540.3 (MANE Select); coding-DNA position 6093, G replaced by T.
Protein change: p.Leu2031Phe; replaces leucine 2031 with phenylalanine.
Molecular consequence: missense variant.
Genome position (GRCh38, 1-based): chr19:38,490,698, G>T. VCF-style: chr19-38490698-G-T. GRCh37 (hg19) VCF-style: chr19-38981338-G-T.
Other names: c.6093G>T, p.Leu2031Phe (NM_001042723.2); short protein forms L2031F.
Identifiers: ClinVar variation 3572649 (VCV003572649.1).